The following is an entry in ClinVar:

NM_018968.4(SNTG2):c.217A>G (p.Thr73Ala)

Gene: SNTG2 (syntrophin gamma 2; plus strand). Cytogenetic location: 2p25.3.
Variant type: single nucleotide variant.
Coding change: c.217A>G on transcript NM_018968.4 (MANE Select); coding-DNA position 217, A replaced by G.
Protein change: p.Thr73Ala; replaces threonine 73 with alanine.
Molecular consequence: missense variant.
Genome position (GRCh38, 1-based): chr2:1,098,202, A>G. VCF-style: chr2-1098202-A-G. GRCh37 (hg19) VCF-style: chr2-1093888-A-G.
Other names: short protein forms T73A.
Identifiers: ClinVar variation 3167104 (VCV003167104.4), dbSNP rs201904066, ClinGen allele CA1510701.

ClinVar aggregate classification (germline): Conflicting classifications of pathogenicity. Review status: criteria provided, conflicting classifications (1 of 4 stars). 2 submissions from 2 submitters: Uncertain significance (1); Likely benign (1). Last evaluated 2025-12-30.

Allele frequency attached by ClinVar (database versions not stated): ExAC 0.00029; gnomAD 0.00048; 1000 Genomes Project 30x 0.00062; gnomAD exomes 0.00018; ESP Exome Variant Server 0.00034; TOPMed 0.00056; 1000 Genomes Project 0.00060.
gnomAD v4.1: 370 of 1,614,032 alleles (0.023%); highest among the groups gnomAD compares: Middle Eastern, 0.4%; 1 homozygote.

Submissions (2):

Dasa
Classification: Likely benign. Last evaluated: 2025-12-30. Review status: criteria provided, single submitter. Criteria: DASA Assertion Criteria. Collection method: clinical testing. Allele origin: germline.
Comment: NM_018968.4(SNTG2):c.217A>G (p.Thr73Ala) is a missense variant that results in the substitution of threonine with alanine. Population frequency is inconsistent with a disease-causing role for this variant. Therefore, based on the currently available evidence, this variant is classified as likely benign.

Ambry Genetics
Classification: Uncertain significance. Last evaluated: 2024-08-26. Review status: criteria provided, single submitter. Criteria: Ambry Variant Classification Scheme 2023. Collection method: clinical testing. Allele origin: germline.